The following is an entry in ClinVar:

NM_001291746.2(REL):c.1114A>G (p.Met372Val)

Gene: REL (REL proto-oncogene, NF-kB subunit; plus strand). Cytogenetic location: 2p16.1.
Variant type: single nucleotide variant.
Coding change: c.1114A>G on transcript NM_001291746.2 (MANE Select); coding-DNA position 1114, A replaced by G.
Protein change: p.Met372Val; replaces methionine 372 with valine.
Molecular consequence: missense variant.
Genome position (GRCh38, 1-based): chr2:60,921,885, A>G. VCF-style: chr2-60921885-A-G. GRCh37 (hg19) VCF-style: chr2-61149020-A-G.
Other names: c.1210A>G (NM_002908.2); c.1210A>G, p.Met404Val (NM_002908.4); short protein forms M372V, M404V.
Identifiers: ClinVar variation 2186655 (VCV002186655.3), dbSNP rs150652295, ClinGen allele CA1672432.
Genomic context (GRCh38, chr2:60,921,885, plus strand): 5'-GCAGAATCCTACTATCCCTCACCTGGGCCCATCTCAAGTGGATTGTCACATCATGCCTCA[A>G]TGGCACCTCTGCCTTCTTCAAGCTGGTCATCAGTGGCCCACCCCACCCCACGCTCAGGCA-3'
Protein context (NP_001278675.1, residues 362-382): ISSGLSHHAS[Met372Val]APLPSSSWSS

ClinVar aggregate classification (germline): Uncertain significance. Review status: criteria provided, multiple submitters, no conflicts (2 of 4 stars). 3 submissions from 3 submitters: Uncertain significance (3). Last evaluated 2026-05-14.

Conditions:
Immunodeficiency 92. Identifiers: Orphanet 697394, MedGen C5562039, MONDO:0030498, OMIM 619652.

Allele frequency attached by ClinVar (database versions not stated): ExAC 0.00003; TOPMed 0.00004; ESP Exome Variant Server 0.00023.
gnomAD v4.1: 38 of 1,613,924 alleles (0.0024%); highest among the groups gnomAD compares: East Asian, 0.013%; no homozygotes.

Submissions (3):

Division of Clinical Immunology and Allergy, Necmettin Erbakan University, Faculty of Medicine
Classification: Uncertain significance for Immunodeficiency 92. Last evaluated: 2026-05-14. Review status: criteria provided, single submitter. Criteria: ACMG Guidelines, 2015. Collection method: clinical testing. Allele origin: germline. Affected: yes. Observed: 1 variant allele.

Labcorp Genetics (formerly Invitae), Labcorp
Classification: Uncertain significance. Last evaluated: 2022-08-13. Review status: criteria provided, single submitter. Criteria: Invitae Variant Classification Sherloc (09022015). Collection method: clinical testing. Allele origin: germline.
Comment: This sequence change replaces methionine, which is neutral and non-polar, with valine, which is neutral and non-polar, at codon 404 of the REL protein (p.Met404Val). This variant is present in population databases (rs150652295, gnomAD 0.005%). This variant has not been reported in the literature in individuals affected with REL-related conditions. Algorithms developed to predict the effect of missense changes on protein structure and function output the following: SIFT: "Tolerated"; PolyPhen-2: "Benign"; Align-GVGD: "Class C0". The valine amino acid residue is found in multiple mammalian species, which suggests that this missense change does not adversely affect protein function. In summary, the available evidence is currently insufficient to determine the role of this variant in disease. Therefore, it has been classified as a Variant of Uncertain Significance.

Ambry Genetics
Classification: Uncertain significance. Last evaluated: 2021-08-02. Review status: criteria provided, single submitter. Criteria: Ambry Variant Classification Scheme 2023. Collection method: clinical testing. Allele origin: germline.